The following is an entry in ClinVar:

ClinVar aggregate classification (germline): Uncertain significance (1 of 4 stars; one submission).

Submission:

Labcorp Genetics (formerly Invitae), Labcorp
Classification: Uncertain significance. Last evaluated: 2025-05-05. Review status: criteria provided, single submitter. Criteria: Invitae Variant Classification Sherloc (09022015). Collection method: clinical testing. Allele origin: germline.
Comment: This sequence change replaces threonine, which is neutral and polar, with isoleucine, which is neutral and non-polar, at codon 216 of the C11orf70 protein (p.Thr216Ile). This variant is not present in population databases (gnomAD no frequency). This variant has not been reported in the literature in individuals affected with C11orf70-related conditions. ClinVar contains an entry for this variant (Variation ID: 2017411). Invitae Evidence Modeling of protein sequence and biophysical properties (such as structural, functional, and spatial information, amino acid conservation, physicochemical variation, residue mobility, and thermodynamic stability) indicates that this missense variant is not expected to disrupt C11orf70 protein function with a negative predictive value of 80%. In summary, the available evidence is currently insufficient to determine the role of this variant in disease. Therefore, it has been classified as a Variant of Uncertain Significance.

NM_032930.3(CFAP300):c.647C>T (p.Thr216Ile)

Gene: CFAP300 (cilia and flagella associated protein 300; plus strand). Cytogenetic location: 11q22.1.
Variant type: single nucleotide variant.
Coding change: c.647C>T on transcript NM_032930.3 (MANE Select); coding-DNA position 647, C replaced by T.
Protein change: p.Thr216Ile; replaces threonine 216 with isoleucine.
Molecular consequence: missense variant. On other transcripts: intron variant (1).
Genome position (GRCh38, 1-based): chr11:102,081,253, C>T. VCF-style: chr11-102081253-C-T. GRCh37 (hg19) VCF-style: chr11-101951984-C-T.
Other names: c.604-1818C>T (NM_001363505.2); short protein forms T216I.
Identifiers: ClinVar variation 2017411 (VCV002017411.4), dbSNP rs2496359741, ClinGen allele CA382489943.
Genomic context (GRCh38, chr11:102,081,253, plus strand): 5'-CACCTTTTCTTCCTTTTTTTAGTGTTCGAAAGAATCCTCAAACCAAGAAAATACAGATTA[C>T]CTCTTCTGTCTTTAAAGTTTCAGCTTATGTAAGTGTGAGAGAACTTTTGCAACCAAAGAA-3'
Protein context (NP_116319.2, residues 206-226): KNPQTKKIQI[Thr216Ile]SSVFKVSAYD